The following is an entry in ClinVar:

ClinVar aggregate classification (germline): Conflicting classifications of pathogenicity. Review status: criteria provided, conflicting classifications (1 of 4 stars). 7 submissions from 7 submitters: Uncertain significance (1); Benign (2); Likely benign (2). 2 of the submissions do not count toward it. Last evaluated 2026-02-01.

Conditions:
Leukocyte adhesion deficiency 1 (LAD1). Also called: LEUKOCYTE ADHESION DEFICIENCY, TYPE I; LAD 1; Lymphocyte function-associated antigen 1 immunodeficiency; LFA 1 immunodeficiency. Identifiers: Orphanet 2968, Orphanet 99842, MedGen C0398738, MONDO:0007293, OMIM 116920.

Allele frequency attached by ClinVar (database versions not stated): 1000 Genomes Project 0.00100; 1000 Genomes Project 30x 0.00125; TOPMed 0.00199; gnomAD 0.00201 and 0.00202; ESP Exome Variant Server 0.00238.
gnomAD v4.1: 4,718 of 1,603,324 alleles (0.29%); highest among the groups gnomAD compares: Non-Finnish European, 0.35%; 14 homozygotes.

Submissions (7):

Labcorp Genetics (formerly Invitae), Labcorp
Classification: Benign for Leukocyte adhesion deficiency 1. Last evaluated: 2026-02-01. Review status: criteria provided, single submitter. Criteria: Invitae Variant Classification Sherloc (09022015). Collection method: clinical testing. Allele origin: germline.

CeGaT Center for Human Genetics Tuebingen
Classification: Likely benign. Last evaluated: 2025-07-01. Review status: criteria provided, single submitter. Criteria: CeGaT Center For Human Genetics Tuebingen Variant Classification Criteria Version 2. Collection method: clinical testing. Allele origin: germline. Affected: yes. Observed: 1 variant allele.
Comment: ITGB2: BP4, BP7, BS2

Blueprint Genetics
Classification: Likely benign. Last evaluated: 2024-10-23. Review status: criteria provided, single submitter. Criteria: ACMG Guidelines, 2015. Collection method: clinical testing. Allele origin: germline.

Mayo Clinic Laboratories, Mayo Clinic
Classification: Benign. Last evaluated: 2024-09-30. Review status: criteria provided, single submitter. Criteria: ACMG Guidelines, 2015. Collection method: clinical testing. Allele origin: germline. Observed: 2 variant alleles.
Comment: BS1, BS2, BP4, BP7

Illumina Laboratory Services, Illumina
Classification: Uncertain significance for Leukocyte adhesion deficiency 1. Last evaluated: 2018-01-13. Review status: criteria provided, single submitter. Criteria: ICSL Variant Classification Criteria 13 December 2019. Collection method: clinical testing. Allele origin: germline.

Clinical Genetics DNA and cytogenetics Diagnostics Lab, Erasmus MC, Erasmus Medical Center
Classification: Likely benign. Review status: no assertion criteria provided. Collection method: clinical testing. Allele origin: germline. Affected: yes. Study: VKGL Data-share Consensus. Not counted in ClinVar's aggregate classification.

Genome Diagnostics Laboratory, University Medical Center Utrecht
Classification: Likely benign. Review status: no assertion criteria provided. Collection method: clinical testing. Allele origin: germline. Affected: yes. Study: VKGL Data-share Consensus. Not counted in ClinVar's aggregate classification.

NM_000211.5(ITGB2):c.162G>A (p.Pro54=)

Gene: ITGB2 (integrin subunit beta 2; minus strand). Cytogenetic location: 21q22.3.
Variant type: single nucleotide variant.
Coding change: c.162G>A on transcript NM_000211.5 (MANE Select); coding-DNA position 162, G replaced by A.
Protein change: p.Pro54=; no amino-acid change (proline 54 retained).
Molecular consequence: synonymous variant. On other transcripts: 5 prime UTR variant (1).
Genome position (GRCh38, 1-based): chr21:44,907,081, C>T on the plus strand (G>A on the coding strand, the complement: ITGB2 is on the minus strand). VCF-style: chr21-44907081-C-T. GRCh37 (hg19) VCF-style: chr21-46326996-C-T.
Other names: p.Pro54=; c.162G>A (LRG_76t1); c.162G>A, p.Pro54= (NM_001127491.3); c.-46G>A (NM_001303238.2).
Identifiers: ClinVar variation 340179 (VCV000340179.28), dbSNP rs138303556, ClinGen allele CA10063308.
Genomic context (GRCh38, chr21:44,907,081, plus strand): 5'-CGCACAGCCCCTCATGAGCAGCTGTGGCCGGGTGTCGCAGCGAATGGAGTCAGGATCCCC[C>T]GGCCCTGTGAAGTTCTGGGGAGGGGGAGTCAGGGGTCAGGAGGGGGCCACACTGCGGGAC-3'
Protein context (NP_000202.3, residues 44-64): TWCQKLNFTG[Pro54=]GDPDSIRCDT